The following is an entry in ClinVar:

ClinVar aggregate classification (germline): Uncertain significance (1 of 4 stars; one submission).

Conditions:
Ellis-van Creveld syndrome (EVC). Also called: EVC-Related Ellis-van Creveld Syndrome; EVC2-Related Ellis-van Creveld Syndrome; MESOECTODERMAL DYSPLASIA; Chondroectodermal dysplasia. Identifiers: Orphanet 289, MedGen C0013903, MONDO:0009162, OMIM 225500.
Curry-Hall syndrome (WAD). Also called: WEYERS ACRODENTAL DYSOSTOSIS. Identifiers: Orphanet 952, MedGen C0457013, MONDO:0008673, OMIM 193530.

Submission:

Labcorp Genetics (formerly Invitae), Labcorp
Classification: Uncertain significance for Curry-Hall syndrome; Ellis-van Creveld syndrome. Last evaluated: 2022-03-03. Review status: criteria provided, single submitter. Criteria: Invitae Variant Classification Sherloc (09022015). Collection method: clinical testing. Allele origin: germline.
Comment: In summary, the available evidence is currently insufficient to determine the role of this variant in disease. Therefore, it has been classified as a Variant of Uncertain Significance. Algorithms developed to predict the effect of missense changes on protein structure and function are either unavailable or do not agree on the potential impact of this missense change (SIFT: "Deleterious"; PolyPhen-2: "Probably Damaging"; Align-GVGD: "Class C0"). This variant has not been reported in the literature in individuals affected with EVC2-related conditions. This variant is not present in population databases (gnomAD no frequency). This sequence change replaces lysine, which is basic and polar, with isoleucine, which is neutral and non-polar, at codon 170 of the EVC2 protein (p.Lys170Ile).

NM_147127.5(EVC2):c.509A>T (p.Lys170Ile)

Gene: EVC2 (EvC ciliary complex subunit 2; minus strand). Cytogenetic location: 4p16.2.
Variant type: single nucleotide variant.
Coding change: c.509A>T on transcript NM_147127.5 (MANE Select); coding-DNA position 509, A replaced by T.
Protein change: p.Lys170Ile; replaces lysine 170 with isoleucine.
Molecular consequence: missense variant.
Genome position (GRCh38, 1-based): chr4:5,691,275, T>A on the plus strand (A>T on the coding strand, the complement: EVC2 is on the minus strand). VCF-style: chr4-5691275-T-A. GRCh37 (hg19) VCF-style: chr4-5693002-T-A.
Other names: c.269A>T, p.Lys90Ile (NM_001166136.2); short protein forms K170I, K90I.
Identifiers: ClinVar variation 1447076 (VCV001447076.9), dbSNP rs2151733915, ClinGen allele CA356149806.